The following is an entry in ClinVar:

NM_002691.4(POLD1):c.3277G>A (p.Glu1093Lys)

Gene: POLD1 (DNA polymerase delta 1, catalytic subunit; plus strand). Cytogenetic location: 19q13.33.
Variant type: single nucleotide variant.
Coding change: c.3277G>A on transcript NM_002691.4 (MANE Select); coding-DNA position 3277, G replaced by A.
Protein change: p.Glu1093Lys; replaces glutamic acid 1093 with lysine.
Molecular consequence: missense variant. On other transcripts: non-coding transcript variant (1).
Genome position (GRCh38, 1-based): chr19:50,417,900, G>A. VCF-style: chr19-50417900-G-A. GRCh37 (hg19) VCF-style: chr19-50921157-G-A.
Other names: c.3277G>A, p.Glu1093Lys (NM_001256849.1); c.3355G>A, p.Glu1119Lys (NM_001308632.1); short protein forms E1093K, E1119K.
Identifiers: ClinVar variation 239339 (VCV000239339.12), dbSNP rs878854551, ClinGen allele CA10583860.

ClinVar aggregate classification (germline): Uncertain significance. Review status: criteria provided, multiple submitters, no conflicts (2 of 4 stars). 3 submissions from 3 submitters: Uncertain significance (3). Last evaluated 2025-12-19.

Conditions:
Hereditary cancer-predisposing syndrome. Also called: Hereditary Cancer Syndrome; Neoplastic Syndromes, Hereditary; Hereditary neoplastic syndrome; Tumor predisposition. Identifiers: Orphanet 140162, MedGen C0027672, MeSH D009386, MONDO:0015356.
POLD1-related polyposis and colorectal cancer syndrome (CRCS10). Also called: COLORECTAL CANCER, SUSCEPTIBILITY TO, ON CHROMOSOME 19q; Colorectal cancer 10; Colorectal cancer, susceptibility to, 10. Identifiers: Orphanet 220460, MedGen C2675481, MONDO:0012953, OMIM 612591.

Submissions (3):

Labcorp Genetics (formerly Invitae), Labcorp
Classification: Uncertain significance for POLD1-related polyposis and colorectal cancer syndrome. Last evaluated: 2025-12-19. Review status: criteria provided, single submitter. Criteria: Invitae Variant Classification Sherloc (09022015). Collection method: clinical testing. Allele origin: germline.
Comment: This sequence change replaces glutamic acid, which is acidic and polar, with lysine, which is basic and polar, at codon 1093 of the POLD1 protein (p.Glu1093Lys). This variant is not present in population databases (gnomAD no frequency). This variant has not been reported in the literature in individuals affected with POLD1-related conditions. ClinVar contains an entry for this variant (Variation ID: 239339). Invitae Evidence Modeling of protein sequence and biophysical properties (such as structural, functional, and spatial information, amino acid conservation, physicochemical variation, residue mobility, and thermodynamic stability) indicates that this missense variant is not expected to disrupt POLD1 protein function with a negative predictive value of 80%. In summary, the available evidence is currently insufficient to determine the role of this variant in disease. Therefore, it has been classified as a Variant of Uncertain Significance.

Ambry Genetics
Classification: Uncertain significance for Hereditary cancer-predisposing syndrome. Last evaluated: 2025-09-22. Review status: criteria provided, single submitter. Criteria: Ambry Variant Classification Scheme 2023. Collection method: clinical testing. Allele origin: germline.
Comment: The p.E1093K variant (also known as c.3277G>A), located in coding exon 26 of the POLD1 gene, results from a G to A substitution at nucleotide position 3277. The glutamic acid at codon 1093 is replaced by lysine, an amino acid with similar properties. This amino acid position is conserved. In addition, this alteration is predicted to be tolerated by in silico analysis. Since supporting evidence is limited at this time, the clinical significance of this alteration remains unclear.

GeneDx
Classification: Uncertain significance. Last evaluated: 2023-02-28. Review status: criteria provided, single submitter. Criteria: GeneDx Variant Classification Process June 2021. Collection method: clinical testing. Allele origin: germline. Affected: yes.
Comment: Not observed at significant frequency in large population cohorts (gnomAD); In silico analysis supports that this missense variant does not alter protein structure/function; Has not been previously published as pathogenic or benign to our knowledge